The following is an entry in ClinVar:

NM_000091.5(COL4A3):c.3672del (p.Pro1226fs)

Genes: COL4A3 (collagen type IV alpha 3 chain; plus strand), MFF-DT (MFF divergent transcript; minus strand). Cytogenetic location: 2q36.3.
Variant type: Deletion.
Coding change: c.3672del on transcript NM_000091.5 (MANE Select); coding-DNA position 3672, one base deleted (A; older notation c.3672delA).
Protein change: p.Pro1226fs; shifts the reading frame from proline 1226.
Molecular consequence: frameshift variant.
Genome position (GRCh38, 1-based): chr2:227,297,780, A deleted. VCF-style (leftmost placement, unchanged base first): chr2-227297779-CA-C. GRCh37 (hg19) VCF-style: chr2-228162495-CA-C.
Other names: short protein forms P1226fs.
Identifiers: ClinVar variation 931456 (VCV000931456.3), dbSNP rs2073096212, ClinGen allele CA1139657761.

ClinVar aggregate classification (germline): Likely pathogenic (1 of 4 stars; one submission).

Conditions:
Autosomal dominant Alport syndrome (ATS3A). Also called: ALPORT SYNDROME 3A, AUTOSOMAL DOMINANT; Alport syndrome dominant type; Renal failure and sensorineural hearing loss. Identifiers: Orphanet 63, Orphanet 88918, MedGen C5882663, MONDO:0007086, OMIM 104200.

Submission:

Centre for Mendelian Genomics, University Medical Centre Ljubljana
Classification: Likely pathogenic for Autosomal dominant Alport syndrome. Last evaluated: 2016-01-01. Review status: criteria provided, single submitter. Criteria: ACMG Guidelines, 2015. Collection method: clinical testing. Allele origin: unknown. Affected: yes.
Comment: This variant was classified as: Likely pathogenic. The following ACMG criteria were applied in classifying this variant: PVS1,PM.